The following is an entry in ClinVar:

NM_006445.4(PRPF8):c.72C>T (p.Tyr24=)

Gene: PRPF8 (pre-mRNA processing factor 8; minus strand). Cytogenetic location: 17p13.3.
Variant type: single nucleotide variant.
Coding change: c.72C>T on transcript NM_006445.4 (MANE Select); coding-DNA position 72, C replaced by T.
Protein change: p.Tyr24=; no amino-acid change (tyrosine 24 retained).
Molecular consequence: synonymous variant.
Genome position (GRCh38, 1-based): chr17:1,684,500, G>A on the plus strand (C>T on the coding strand, the complement: PRPF8 is on the minus strand). VCF-style: chr17-1684500-G-A. GRCh37 (hg19) VCF-style: chr17-1587794-G-A.
Other names: c.72C>T (NM_006445.3).
Identifiers: ClinVar variation 1169809 (VCV001169809.11), dbSNP rs557206853, ClinGen allele CA8272749.

ClinVar aggregate classification (germline): Benign/Likely benign. Review status: criteria provided, multiple submitters, no conflicts (2 of 4 stars). 4 submissions from 4 submitters: Benign (2); Likely benign (1). 1 of the submissions does not count toward it. Last evaluated 2024-08-19.

Conditions:
Retinal dystrophy. Also called: Inherited retinal dystrophy. Identifiers: Orphanet 71862, MedGen C0854723, MeSH D058499, MONDO:0019118, HP:0000556.
PRPF8-related disorder. Also called: PRPF8-related condition.

Allele frequency attached by ClinVar (database versions not stated): gnomAD exomes 0.00002 and 0.00006; gnomAD 0.00003; TOPMed 0.00003; ExAC 0.00009; 1000 Genomes Project 30x 0.00016; 1000 Genomes Project 0.00020.

Submissions (4):

Labcorp Genetics (formerly Invitae), Labcorp
Classification: Benign. Last evaluated: 2024-08-19. Review status: criteria provided, single submitter. Criteria: Invitae Variant Classification Sherloc (09022015). Collection method: clinical testing. Allele origin: germline.

Dept Of Ophthalmology, Nagoya University
Classification: Benign for Retinal dystrophy. Last evaluated: 2023-10-01. Review status: criteria provided, single submitter. Criteria: Submitter's publication. Collection method: research. Allele origin: germline. Affected: yes.

Blueprint Genetics
Classification: Likely benign. Last evaluated: 2022-07-06. Review status: criteria provided, single submitter. Criteria: ACMG Guidelines, 2015. Collection method: clinical testing. Allele origin: germline.

PreventionGenetics, part of Exact Sciences
Classification: Likely benign for PRPF8-related condition. Last evaluated: 2020-05-04. Review status: no assertion criteria provided. Collection method: clinical testing. Allele origin: germline. Not counted in ClinVar's aggregate classification.
Comment: This variant is classified as likely benign based on ACMG/AMP sequence variant interpretation guidelines (Richards et al. 2015 PMID: 25741868, with internal and published modifications).